The following is an entry in ClinVar:

NM_003072.5(SMARCA4):c.1435A>C (p.Ile479Leu)

Gene: SMARCA4 (SWI/SNF related BAF chromatin remodeling complex subunit ATPase 4; plus strand). Cytogenetic location: 19p13.2.
Variant type: single nucleotide variant.
Coding change: c.1435A>C on transcript NM_003072.5 (MANE Select); coding-DNA position 1435, A replaced by C.
Protein change: p.Ile479Leu; replaces isoleucine 479 with leucine.
Molecular consequence: missense variant. On other transcripts: non-coding transcript variant (1).
Genome position (GRCh38, 1-based): chr19:10,994,843, A>C. VCF-style: chr19-10994843-A-C. GRCh37 (hg19) VCF-style: chr19-11105519-A-C.
Other names: c.1435A>C, p.Ile479Leu (NM_001128844.3, NM_001128845.2, NM_001128846.2 and 6 more transcripts); short protein forms I479L.
Identifiers: ClinVar variation 3446016 (VCV003446016.1).

ClinVar aggregate classification (germline): Uncertain significance (1 of 4 stars; one submission).

Conditions:
Hereditary cancer-predisposing syndrome. Also called: Tumor predisposition; Neoplastic Syndromes, Hereditary; Hereditary neoplastic syndrome; Hereditary Cancer Syndrome. Identifiers: Orphanet 140162, MedGen C0027672, MeSH D009386, MONDO:0015356.

Submission:

Ambry Genetics
Classification: Uncertain significance for Hereditary cancer-predisposing syndrome. Last evaluated: 2024-10-17. Review status: criteria provided, single submitter. Criteria: Ambry Variant Classification Scheme 2023. Collection method: clinical testing. Allele origin: germline.
Comment: The p.I479L variant (also known as c.1435A>C), located in coding exon 8 of the SMARCA4 gene, results from an A to C substitution at nucleotide position 1435. The isoleucine at codon 479 is replaced by leucine, an amino acid with highly similar properties. This amino acid position is conserved. In addition, the in silico prediction for this alteration is inconclusive. Based on the available evidence, the clinical significance of this variant remains unclear.